The following is an entry in ClinVar:

ClinVar aggregate classification (germline): Uncertain significance (0 of 4 stars; one submission).

Conditions:
PRR12-related disorder. Also called: PRR12-related condition.

gnomAD v4.1: 1 of 1,613,946 alleles (0.000062%); highest among the groups gnomAD compares: Non-Finnish European, 0.000085%; no homozygotes.

Submission:

PreventionGenetics, part of Exact Sciences
Classification: Uncertain significance for PRR12-related condition. Last evaluated: 2024-08-13. Review status: no assertion criteria provided. Collection method: clinical testing. Allele origin: germline.
Comment: The PRR12 c.4990C>T variant is predicted to result in the amino acid substitution p.Arg1664Trp. To our knowledge, this variant has not been reported in the literature or in a large population database, indicating this variant is rare. Although we suspect that this variant may be pathogenic, at this time, the clinical significance of this variant is uncertain due to the absence of conclusive functional and genetic evidence.

NM_020719.3(PRR12):c.4990C>T (p.Arg1664Trp)

Gene: PRR12 (proline rich 12; plus strand). Cytogenetic location: 19q13.33.
Variant type: single nucleotide variant.
Coding change: c.4990C>T on transcript NM_020719.3 (MANE Select); coding-DNA position 4990, C replaced by T.
Protein change: p.Arg1664Trp; replaces arginine 1664 with tryptophan.
Molecular consequence: missense variant.
Genome position (GRCh38, 1-based): chr19:49,614,975, C>T. VCF-style: chr19-49614975-C-T. GRCh37 (hg19) VCF-style: chr19-50118232-C-T.
Other names: short protein forms R1664W.
Identifiers: ClinVar variation 3357486 (VCV003357486.1).
Genomic context (GRCh38, chr19:49,614,975, plus strand): 5'-CGCCTCTATGTAAAGTTCCTGGAAAATGTCAATAAGAAGGACTACGTGAGGGTCTGTGCT[C>T]GGAAACCCTGGCATCGGCCCCCAGTGCCAGTCAGGTACCAACCATGGGGGACACAGGGGC-3'
Protein context (NP_065770.1, residues 1654-1674): NKKDYVRVCA[Arg1664Trp]KPWHRPPVPV